The following is an entry in ClinVar:

NC_000001.11:g.146020242_147909267del

Genes: ACP6 (acid phosphatase 6, lysophosphatidic; minus strand), BCL9 (BCL9 transcription coactivator; plus strand), CH17-408M7.1 (uncharacterized LOC102724558; plus strand), CHD1L (chromodomain helicase DNA binding protein 1 like; plus strand), FMO5 (flavin containing dimethylaniline monoxygenase 5; minus strand) and 43 more. Cytogenetic location: 1q21.1-21.2.
Variant type: Deletion.
Identifiers: ClinVar variation 3236399 (VCV003236399.3).

ClinVar aggregate classification (germline): Uncertain significance (1 of 4 stars; one submission).

Conditions:
Cataract 1 multiple types. Also called: CATARACT 1, POSTERIOR SUBCAPSULAR, WITH MICROCORNEA; CATARACT 1, STELLATE NUCLEAR, WITH MICROCORNEA; CATARACT, DUFFY-LINKED; CATARACT 1, MULTIPLE TYPES, WITH OR WITHOUT MICROCORNEA; CATARACT 1, NUCLEAR PROGRESSIVE; CATARACT 1 WITH MICROCORNEA. Identifiers: Orphanet 1377, MedGen C1861828, MONDO:0007285, OMIM 116200.

Submission:

Molecular Genetics of Human Eye Development, Oxford Brookes University
Classification: Uncertain significance for Cataract 1 multiple types. Last evaluated: 2025-02-18. Review status: criteria provided, single submitter. Criteria: ACMG/ClinGen CNV Guidelines, 2019. Collection method: research. Allele origin: de novo. Affected: yes. Observed: 1 variant allele.
Comment: 1q21 microdeletion leading to CNV loss involving GJA8 and other genes. Previous studies have linked similar 1q21 CNVs with other congenital eye, hear and brain anomalies (PMID: 29464339; PMID: 18784092). There is conflicting interpretation over pathogenicity of 1q21 microdeletions as not all carriers of the variant display a disease phenotype.

Literature cited by the submitters: PubMed 29464339.